The following is an entry in ClinVar:

ClinVar aggregate classification (germline): Uncertain significance (1 of 4 stars; one submission).

Conditions:
Periodic fever-infantile enterocolitis-autoinflammatory syndrome. Also called: Autoinflammation with infantile enterocolitis. Identifiers: Orphanet 436166, MedGen C4015067, MONDO:0014472, OMIM 616050.
Familial cold autoinflammatory syndrome 4 (FCAS4). Identifiers: Orphanet 47045, Orphanet 576349, MedGen C4015276, MONDO:0014498, OMIM 616115.

Allele frequency attached by ClinVar (database versions not stated): gnomAD 0.00001; ExAC 0.00001; TOPMed 0.00001.
gnomAD v4.1: 1 of 1,614,038 alleles (0.000062%); highest among the groups gnomAD compares: African/African-American, 0.0013%; no homozygotes.

Submission:

Labcorp Genetics (formerly Invitae), Labcorp
Classification: Uncertain significance for Periodic fever-infantile enterocolitis-autoinflammatory syndrome; Familial cold autoinflammatory syndrome 4. Last evaluated: 2025-04-11. Review status: criteria provided, single submitter. Criteria: Invitae Variant Classification Sherloc (09022015). Collection method: clinical testing. Allele origin: germline.
Comment: This sequence change replaces lysine, which is basic and polar, with arginine, which is basic and polar, at codon 190 of the NLRC4 protein (p.Lys190Arg). This variant is present in population databases (rs745373525, gnomAD 0.007%). This variant has not been reported in the literature in individuals affected with NLRC4-related conditions. ClinVar contains an entry for this variant (Variation ID: 2942480). Invitae Evidence Modeling of protein sequence and biophysical properties (such as structural, functional, and spatial information, amino acid conservation, physicochemical variation, residue mobility, and thermodynamic stability) indicates that this missense variant is not expected to disrupt NLRC4 protein function with a negative predictive value of 80%. In summary, the available evidence is currently insufficient to determine the role of this variant in disease. Therefore, it has been classified as a Variant of Uncertain Significance.

NM_001199138.2(NLRC4):c.569A>G (p.Lys190Arg)

Gene: NLRC4 (NLR family CARD domain containing 4; minus strand). Cytogenetic location: 2p22.3.
Variant type: single nucleotide variant.
Coding change: c.569A>G on transcript NM_001199138.2 (MANE Select); coding-DNA position 569, A replaced by G.
Protein change: p.Lys190Arg; replaces lysine 190 with arginine.
Molecular consequence: missense variant. On other transcripts: intron variant (1).
Genome position (GRCh38, 1-based): chr2:32,251,295, T>C on the plus strand (A>G on the coding strand, the complement: NLRC4 is on the minus strand). VCF-style: chr2-32251295-T-C. GRCh37 (hg19) VCF-style: chr2-32476364-T-C.
Other names: c.569A>G, p.Lys190Arg (NM_001199139.2, NM_021209.5); c.262+1124A>G (NM_001302504.1); short protein forms K190R.
Identifiers: ClinVar variation 2942480 (VCV002942480.3), dbSNP rs745373525, ClinGen allele CA1602117.